The following is an entry in ClinVar:

NM_000075.4(CDK4):c.820-8C>T

Genes: MIR6759 (microRNA 6759; minus strand), CDK4 (cyclin dependent kinase 4; minus strand), TSPAN31 (tetraspanin 31; plus strand). Cytogenetic location: 12q14.1.
Variant type: single nucleotide variant.
Coding change: c.820-8C>T on transcript NM_000075.4 (MANE Select); 8 bases into the intron before coding-DNA position 820, C replaced by T.
Molecular consequence: intron variant. On other transcripts: non-coding transcript variant (1), 3 prime UTR variant (3).
Genome position (GRCh38, 1-based): chr12:57,748,625, G>A on the plus strand (C>T on the coding strand, the complement: CDK4 is on the minus strand). VCF-style: chr12-57748625-G-A. GRCh37 (hg19) VCF-style: chr12-58142408-G-A.
Other names: c.*1335G>A (NM_001330168.2, NM_001330169.2, NM_005981.5).
Identifiers: ClinVar variation 3378537 (VCV003378537.1).

ClinVar aggregate classification (germline): Likely benign (1 of 4 stars; one submission).

Conditions:
Melanoma, cutaneous malignant, susceptibility to, 3. Also called: Cutaneous malignant melanoma 3. Identifiers: Orphanet 618, MedGen C1836892, MONDO:0012183, OMIM 609048.

gnomAD v4.1: 1 of 1,601,908 alleles (0.000062%); highest among the groups gnomAD compares: East Asian, 0.0022%; no homozygotes.

Submission:

Myriad Genetics, Inc.
Classification: Likely benign for Melanoma, cutaneous malignant, susceptibility to, 3. Last evaluated: 2024-09-26. Review status: criteria provided, single submitter. Criteria: Myriad Autosomal Dominant, Autosomal Recessive and X-Linked Classification Criteria (2023). Collection method: clinical testing. Allele origin: unknown.
Comment: This variant is considered likely benign. This variant is intronic and is not expected to impact mRNA splicing.